The following is an entry in ClinVar:

ClinVar aggregate classification (germline): Pathogenic (1 of 4 stars; one submission).

Conditions:
Autosomal recessive distal spinal muscular atrophy 1. Also called: HMN VI; NEURONOPATHY, SEVERE INFANTILE AXONAL, WITH RESPIRATORY FAILURE; SEVERE INFANTILE AXONAL NEUROPATHY WITH RESPIRATORY FAILURE; SPINAL MUSCULAR ATROPHY, DIAPHRAGMATIC; Spinal muscular atrophy with respiratory distress 1; NEURONOPATHY, DISTAL HEREDITARY MOTOR, HARDING TYPE VI. Identifiers: Orphanet 98920, MedGen C1858517, MONDO:0011436, OMIM 604320.
Charcot-Marie-Tooth disease axonal type 2S. Also called: CHARCOT-MARIE-TOOTH NEUROPATHY, TYPE 2S; CHARCOT-MARIE-TOOTH DISEASE, AXONAL, AUTOSOMAL RECESSIVE, TYPE 2S. Identifiers: Orphanet 443073, MedGen C4015349, MONDO:0014511, OMIM 616155.

Submission:

Labcorp Genetics (formerly Invitae), Labcorp
Classification: Pathogenic for Autosomal recessive distal spinal muscular atrophy 1; Charcot-Marie-Tooth disease axonal type 2S. Last evaluated: 2023-02-10. Review status: criteria provided, single submitter. Criteria: Invitae Variant Classification Sherloc (09022015). Collection method: clinical testing. Allele origin: germline.
Comment: This sequence change creates a premature translational stop signal (p.Leu623Phefs*19) in the IGHMBP2 gene. It is expected to result in an absent or disrupted protein product. Loss-of-function variants in IGHMBP2 are known to be pathogenic (PMID: 14681881, 25439726, 25568292). This variant is not present in population databases (gnomAD no frequency). This variant has not been reported in the literature in individuals affected with IGHMBP2-related conditions. For these reasons, this variant has been classified as Pathogenic.

Literature cited by the submitters: PubMed 14681881; PubMed 25439726; PubMed 25568292.

NM_002180.3(IGHMBP2):c.1868dup (p.Leu623fs)

Gene: IGHMBP2 (immunoglobulin mu DNA binding protein 2; plus strand). Cytogenetic location: 11q13.3.
Variant type: Duplication.
Coding change: c.1868dup on transcript NM_002180.3 (MANE Select); coding-DNA position 1868, one base duplicated (T; older notation c.1868dupT).
Protein change: p.Leu623fs; shifts the reading frame from leucine 623.
Molecular consequence: frameshift variant.
Genome position (GRCh38, 1-based): chr11:68,936,348, T duplicated; the last of 5 consecutive T bases (chr11:68,936,344-68,936,348); duplicating any one gives the same sequence. VCF-style (leftmost placement, unchanged base first): chr11-68936343-A-AT. GRCh37 (hg19) VCF-style: chr11-68703811-A-AT.
Other names: short protein forms L623fs.
Identifiers: ClinVar variation 2944127 (VCV002944127.3), dbSNP rs2496070562, ClinGen allele CA2740093133.